The following is an entry in ClinVar:

NM_001083926.2(ASRGL1):c.465dup (p.Gly156fs)

Gene: ASRGL1 (asparaginase and isoaspartyl peptidase 1; plus strand). Cytogenetic location: 11q12.3.
Variant type: Duplication.
Coding change: c.465dup on transcript NM_001083926.2 (MANE Select); coding-DNA position 465, one base duplicated (A; older notation c.465dupA).
Protein change: p.Gly156fs; shifts the reading frame from glycine 156.
Molecular consequence: frameshift variant.
Genome position (GRCh38, 1-based): chr11:62,357,118, A duplicated; the last of 5 consecutive A bases (chr11:62,357,114-62,357,118); duplicating any one gives the same sequence. VCF-style (leftmost placement, unchanged base first): chr11-62357113-G-GA. GRCh37 (hg19) VCF-style: chr11-62124585-G-GA.
Other names: c.465dup, p.Gly156fs (NM_025080.4); short protein forms G156fs.
Identifiers: ClinVar variation 1517548 (VCV001517548.6), dbSNP rs763126761, ClinGen allele CA6043199.

ClinVar aggregate classification (germline): Uncertain significance (1 of 4 stars; one submission).

Submission:

Labcorp Genetics (formerly Invitae), Labcorp
Classification: Uncertain significance. Last evaluated: 2025-08-26. Review status: criteria provided, single submitter. Criteria: Invitae Variant Classification Sherloc (09022015). Collection method: clinical testing. Allele origin: germline.
Comment: This sequence change creates a premature translational stop signal (p.Gly156Argfs*36) in the ASRGL1 gene. It is expected to result in an absent or disrupted protein product. However, the current clinical and genetic evidence is not sufficient to establish whether loss-of-function variants in ASRGL1 cause disease. This variant is present in population databases (rs763126761, gnomAD 0.007%). This variant has not been reported in the literature in individuals affected with ASRGL1-related conditions. ClinVar contains an entry for this variant (Variation ID: 1517548). In summary, the available evidence is currently insufficient to determine the role of this variant in disease. Therefore, it has been classified as a Variant of Uncertain Significance.